The following is an entry in ClinVar:

ClinVar aggregate classification (germline): Likely pathogenic (1 of 4 stars; one submission).

Conditions:
Exostoses, multiple, type 2 (EXT2). Also called: Hereditary Multiple Osteochondromatosis, Type II; EXOSTOSES, MULTIPLE, TYPE II. Identifiers: Orphanet 321, MedGen C1851413, MONDO:0007586, OMIM 133701.

Submission:

Molecular Genetics Laboratory, Motol Hospital
Classification: Likely pathogenic for Exostoses, multiple, type 2. Last evaluated: 2024-11-07. Review status: criteria provided, single submitter. Criteria: ACMG Guidelines, 2015. Collection method: clinical testing. Allele origin: maternal. Affected: yes. Observed: 2 variant alleles.
Comment: The relevant medical/scientific publications report on familial transmission of causative EXT2 gene variants and their genotype-phenotype correlation (PMID:16088908;34403521;9463333;30806661). This novel single-nucleotide deletion variant segregates with the clinical manifestation of EXT2. To conclude, the variant is classified as likely pathogenic (ACMG PVS1, PM2, PP1).

Literature cited by the submitters: PubMed 16088908; PubMed 34403521; PubMed 9463333; PubMed 30806661.

NM_207122.2(EXT2):c.245del (p.Asp82fs)

Gene: EXT2 (exostosin glycosyltransferase 2; plus strand). Cytogenetic location: 11p11.2.
Variant type: Deletion.
Coding change: c.245del on transcript NM_207122.2 (MANE Select); coding-DNA position 245, one base deleted (A; older notation c.245delA).
Protein change: p.Asp82fs; shifts the reading frame from aspartic acid 82.
Molecular consequence: frameshift variant.
Genome position (GRCh38, 1-based): chr11:44,107,957, A deleted. VCF-style (leftmost placement, unchanged base first): chr11-44107956-GA-G. GRCh37 (hg19) VCF-style: chr11-44129506-GA-G.
Other names: c.344del, p.Asp115fs (NM_000401.3); c.245del, p.Asp82fs (NM_001178083.3, NM_001389628.1, NM_001389630.1); short protein forms D115fs, D82fs.
Identifiers: ClinVar variation 3374740 (VCV003374740.2).